The following is an entry in ClinVar:

ClinVar aggregate classification (germline): Uncertain significance (1 of 4 stars; one submission).

Conditions:
Multiple endocrine neoplasia, type 1 (MEN1). Also called: MEA I; Endocrine adenomatosis multiple; MEN 1; MEN I; WERMER SYNDROME. Identifiers: Orphanet 652, MedGen C0025267, MeSH D018761, MONDO:0007540, OMIM 131100.

Submission:

Labcorp Genetics (formerly Invitae), Labcorp
Classification: Uncertain significance for Multiple endocrine neoplasia, type 1. Last evaluated: 2021-12-31. Review status: criteria provided, single submitter. Criteria: Invitae Variant Classification Sherloc (09022015). Collection method: clinical testing. Allele origin: germline.
Comment: Advanced modeling of protein sequence and biophysical properties (such as structural, functional, and spatial information, amino acid conservation, physicochemical variation, residue mobility, and thermodynamic stability) performed at Invitae indicates that this missense variant is not expected to disrupt MEN1 protein function. In summary, the available evidence is currently insufficient to determine the role of this variant in disease. Therefore, it has been classified as a Variant of Uncertain Significance. This variant has not been reported in the literature in individuals affected with MEN1-related conditions. This sequence change replaces isoleucine, which is neutral and non-polar, with valine, which is neutral and non-polar, at codon 306 of the MEN1 protein (p.Ile306Val). This variant is not present in population databases (gnomAD no frequency).

NM_001370259.2(MEN1):c.916A>G (p.Ile306Val)

Gene: MEN1 (menin 1; minus strand). Cytogenetic location: 11q13.1.
Variant type: single nucleotide variant.
Coding change: c.916A>G on transcript NM_001370259.2 (MANE Select); coding-DNA position 916, A replaced by G.
Protein change: p.Ile306Val; replaces isoleucine 306 with valine.
Molecular consequence: missense variant.
Genome position (GRCh38, 1-based): chr11:64,806,365, T>C on the plus strand (A>G on the coding strand, the complement: MEN1 is on the minus strand). VCF-style: chr11-64806365-T-C. GRCh37 (hg19) VCF-style: chr11-64573837-T-C.
Other names: c.931A>G, p.Ile311Val (NM_000244.4, NM_001407145.1, NM_001407150.1 and 5 more transcripts); c.916A>G, p.Ile306Val (NM_001370251.2, NM_001370260.2, NM_001370261.2 and 7 more transcripts); c.811A>G, p.Ile271Val (NM_001370262.2, NM_001370263.2, NM_001407148.1 and 2 more transcripts); short protein forms I306V, I311V, I271V.
Identifiers: ClinVar variation 2067602 (VCV002067602.4), dbSNP rs2497177012, ClinGen allele CA381183456.